The following is an entry in ClinVar:

ClinVar aggregate classification (germline): Uncertain significance (1 of 4 stars; one submission).

Conditions:
Hereditary pancreatitis (PCTT). Also called: PRSS1-Related Hereditary Pancreatitis; Hereditary chronic pancreatitis. Identifiers: Orphanet 676, MedGen C0238339, MONDO:0008185, OMIM 167800.

Submission:

Ambry Genetics
Classification: Uncertain significance for Hereditary pancreatitis. Last evaluated: 2023-09-05. Review status: criteria provided, single submitter. Criteria: Ambry Variant Classification Scheme 2023. Collection method: clinical testing. Allele origin: germline.
Comment: The p.S236T variant (also known as c.707G>C), located in coding exon 7 of the CTRC gene, results from a G to C substitution at nucleotide position 707. The serine at codon 236 is replaced by threonine, an amino acid with similar properties. This amino acid position is conserved. In addition, this alteration is predicted to be deleterious by in silico analysis. Since supporting evidence is limited at this time, the clinical significance of this alteration remains unclear.

NM_007272.3(CTRC):c.707G>C (p.Ser236Thr)

Gene: CTRC (chymotrypsin C; plus strand). Cytogenetic location: 1p36.21.
Variant type: single nucleotide variant.
Coding change: c.707G>C on transcript NM_007272.3 (MANE Select); coding-DNA position 707, G replaced by C.
Protein change: p.Ser236Thr; replaces serine 236 with threonine.
Molecular consequence: missense variant.
Genome position (GRCh38, 1-based): chr1:15,445,664, G>C. VCF-style: chr1-15445664-G-C. GRCh37 (hg19) VCF-style: chr1-15772159-G-C.
Other names: short protein forms S236T.
Identifiers: ClinVar variation 2626264 (VCV002626264.2), dbSNP rs2526303570, ClinGen allele CA338567813.